The following is an entry in ClinVar:

NM_002816.5(PSMD12):c.1073T>C (p.Val358Ala)

Gene: PSMD12 (proteasome 26S subunit, non-ATPase 12; minus strand). Cytogenetic location: 17q24.2.
Variant type: single nucleotide variant.
Coding change: c.1073T>C on transcript NM_002816.5 (MANE Select); coding-DNA position 1073, T replaced by C.
Protein change: p.Val358Ala; replaces valine 358 with alanine.
Molecular consequence: missense variant.
Genome position (GRCh38, 1-based): chr17:67,344,616, A>G on the plus strand (T>C on the coding strand, the complement: PSMD12 is on the minus strand). VCF-style: chr17-67344616-A-G. GRCh37 (hg19) VCF-style: chr17-65340732-A-G.
Other names: c.896T>C, p.Val299Ala (NM_001316341.2); c.1013T>C, p.Val338Ala (NM_174871.4); short protein forms V299A, V338A, V358A.
Identifiers: ClinVar variation 2648116 (VCV002648116.24), dbSNP rs2230680, ClinGen allele CA8723620.
Genomic context (GRCh38, chr17:67,344,616, plus strand): 5'-ATTCACTAAAGGTTAAAATAAAAATTGTCATCTCTATGACAGATTCTTACATGTTCAACA[A>G]CTCTGTTCTTCAAGTCTTTCCACCTTTTTTCACCTTCCTCTGTAGAACCAAAAACATCCG-3'
Protein context (NP_002807.1, residues 348-368): EKRWKDLKNR[Val358Ala]VEHNIRIMAK

ClinVar aggregate classification (germline): Benign (1 of 4 stars; one submission).

Allele frequency attached by ClinVar (database versions not stated): gnomAD exomes 0.00022; ExAC 0.00067; 1000 Genomes Project 30x 0.00156; 1000 Genomes Project 0.00160; gnomAD 0.00223; ESP Exome Variant Server 0.00261; TOPMed 0.00275.
gnomAD v4.1: 674 of 1,608,002 alleles (0.042%); highest among the groups gnomAD compares: African/African-American, 0.82%; 6 homozygotes.

Submission:

CeGaT Center for Human Genetics Tuebingen
Classification: Benign. Last evaluated: 2025-11-01. Review status: criteria provided, single submitter. Criteria: CeGaT Center For Human Genetics Tuebingen Variant Classification Criteria Version 2. Collection method: clinical testing. Allele origin: germline. Affected: yes. Observed: 2 variant alleles.
Comment: PSMD12: BS1, BS2